The following is an entry in ClinVar:

ClinVar aggregate classification (germline): Likely pathogenic (1 of 4 stars; one submission).

gnomAD v4.1: 1 of 962,272 alleles (0.0001%); no homozygotes.

Submission:

Dasa
Classification: Likely pathogenic. Last evaluated: 2025-11-23. Review status: criteria provided, single submitter. Criteria: DASA Assertion Criteria. Collection method: clinical testing. Allele origin: germline.
Comment: NM_024989.4(PGAP1):c.1619+1G>C affects a canonical splice site and is predicted to disrupt normal RNA splicing. Loss of function is an established disease mechanism for PGAP1-associated disorders. Also, this variant is rare in population databases. Based on the currently available evidence, this variant is classified as likely pathogenic.

NM_024989.4(PGAP1):c.1619+1G>C

Gene: PGAP1 (post-GPI attachment to proteins inositol deacylase 1; minus strand). Cytogenetic location: 2q33.1.
Variant type: single nucleotide variant.
Coding change: c.1619+1G>C on transcript NM_024989.4 (MANE Select); the canonical splice donor site of the intron after coding-DNA position 1619, G replaced by C.
Molecular consequence: splice donor variant.
Genome position (GRCh38, 1-based): chr2:196,872,959, C>G on the plus strand (G>C on the coding strand, the complement: PGAP1 is on the minus strand). VCF-style: chr2-196872959-C-G. GRCh37 (hg19) VCF-style: chr2-197737683-C-G.
Other names: c.452+1G>C (NM_001321100.2); c.1097+1G>C (NM_001321099.2).
Identifiers: ClinVar variation 4882390 (VCV004882390.2).
Genomic context (GRCh38, chr2:196,872,959, plus strand): 5'-AAGCAGAATATCTATTATTCAAAAACACCAAAGTTTAAAGTAAATTCTTTCAAATACTTA[C>G]TGTGCAATGGTTAGTGAATCTTCATAAGACCAAGGAATATGAAGTCTATAGATACTGGTT-3'